The following is an entry in ClinVar:

ClinVar aggregate classification (germline): Uncertain significance (1 of 4 stars; one submission).

Conditions:
Infantile-onset ascending hereditary spastic paralysis (IAHSP). Also called: Infantile-Onset Ascending Hereditary Spastic Paralysis (IAHSP); Autosomal Recessive Juvenile Amyotrophic Lateral Sclerosis. Identifiers: Orphanet 293168, MedGen C2931441, MONDO:0011797, OMIM 607225. Disease mechanism: loss of function.

Allele frequency attached by ClinVar (database versions not stated): gnomAD exomes 0.00001.

Submission:

Labcorp Genetics (formerly Invitae), Labcorp
Classification: Uncertain significance for Infantile-onset ascending hereditary spastic paralysis. Last evaluated: 2022-05-18. Review status: criteria provided, single submitter. Criteria: Invitae Variant Classification Sherloc (09022015). Collection method: clinical testing. Allele origin: germline.
Comment: Algorithms developed to predict the effect of missense changes on protein structure and function are either unavailable or do not agree on the potential impact of this missense change (SIFT: "Deleterious"; PolyPhen-2: "Benign"; Align-GVGD: "Class C35"). This variant has not been reported in the literature in individuals affected with ALS2-related conditions. This variant is present in population databases (no rsID available, gnomAD no frequency). This sequence change replaces glutamine, which is neutral and polar, with leucine, which is neutral and non-polar, at codon 1584 of the ALS2 protein (p.Gln1584Leu). In summary, the available evidence is currently insufficient to determine the role of this variant in disease. Therefore, it has been classified as a Variant of Uncertain Significance.

NM_020919.4(ALS2):c.4751A>T (p.Gln1584Leu)

Gene: ALS2 (alsin Rho guanine nucleotide exchange factor ALS2; minus strand). Cytogenetic location: 2q33.1.
Variant type: single nucleotide variant.
Coding change: c.4751A>T on transcript NM_020919.4 (MANE Select); coding-DNA position 4751, A replaced by T.
Protein change: p.Gln1584Leu; replaces glutamine 1584 with leucine.
Molecular consequence: missense variant.
Genome position (GRCh38, 1-based): chr2:201,704,541, T>A on the plus strand (A>T on the coding strand, the complement: ALS2 is on the minus strand). VCF-style: chr2-201704541-T-A. GRCh37 (hg19) VCF-style: chr2-202569264-T-A.
Other names: c.4748A>T, p.Gln1583Leu (NM_001410975.1); short protein forms Q1584L, Q1583L.
Identifiers: ClinVar variation 2178656 (VCV002178656.4), dbSNP rs1454508336, ClinGen allele CA350320898.
Genomic context (GRCh38, chr2:201,704,541, plus strand): 5'-ACAGGAAACAAGTCATCCATGGACCACAAGAAGTCTTCGTGGAGTGACGCCAGGACACTC[T>A]GAGAGATCTCCTCAAAAGTCTGCTGGATGACCTTAAGTTTGTCTGATGGGGTAAATGTTG-3'
Protein context (NP_065970.2, residues 1574-1594): VIQQTFEEIS[Gln1584Leu]SVLASLHEDF